The following is an entry in ClinVar:

NM_004064.5(CDKN1B):c.274C>T (p.Pro92Ser)

Gene: CDKN1B (cyclin dependent kinase inhibitor 1B; plus strand). Cytogenetic location: 12p13.1.
Variant type: single nucleotide variant.
Coding change: c.274C>T on transcript NM_004064.5 (MANE Select); coding-DNA position 274, C replaced by T.
Protein change: p.Pro92Ser; replaces proline 92 with serine.
Molecular consequence: missense variant.
Genome position (GRCh38, 1-based): chr12:12,718,113, C>T. VCF-style: chr12-12718113-C-T. GRCh37 (hg19) VCF-style: chr12-12871047-C-T.
Other names: short protein forms P92S.
Identifiers: ClinVar variation 800828 (VCV000800828.21), dbSNP rs868695692, ClinGen allele CA233060093.

ClinVar aggregate classification (germline): Conflicting classifications of pathogenicity. Review status: criteria provided, conflicting classifications (1 of 4 stars). 7 submissions from 7 submitters: Uncertain significance (5); Likely benign (1). 1 of the submissions does not count toward it. Last evaluated 2025-12-15.

Conditions:
Colorectal cancer. Also called: Colorectal cancer, somatic; Malignant Colorectal Neoplasm. Identifiers: MedGen C0346629, MONDO:0005575, OMIM 114500.
Hereditary cancer-predisposing syndrome. Also called: Neoplastic Syndromes, Hereditary; Hereditary Cancer Syndrome; Tumor predisposition; Hereditary neoplastic syndrome. Identifiers: Orphanet 140162, MedGen C0027672, MeSH D009386, MONDO:0015356.
Multiple endocrine neoplasia type 4. Also called: MULTIPLE ENDOCRINE NEOPLASIA, TYPE IV. Identifiers: Orphanet 276152, MedGen C1970712, MONDO:0012552, OMIM 610755.

Allele frequency attached by ClinVar (database versions not stated): gnomAD 0.00001; TOPMed 0.00001.

Submissions (7):

Labcorp Genetics (formerly Invitae), Labcorp
Classification: Uncertain significance for Multiple endocrine neoplasia type 4. Last evaluated: 2025-12-15. Review status: criteria provided, single submitter. Criteria: Invitae Variant Classification Sherloc (09022015). Collection method: clinical testing. Allele origin: germline.
Comment: This sequence change replaces proline, which is neutral and non-polar, with serine, which is neutral and polar, at codon 92 of the CDKN1B protein (p.Pro92Ser). This variant is not present in population databases (gnomAD no frequency). This variant has not been reported in the literature in individuals affected with CDKN1B-related conditions. ClinVar contains an entry for this variant (Variation ID: 800828). An algorithm developed to predict the effect of missense changes on protein structure and function (PolyPhen-2) suggests that this variant is likely to be disruptive. In summary, the available evidence is currently insufficient to determine the role of this variant in disease. Therefore, it has been classified as a Variant of Uncertain Significance.

Ambry Genetics
Classification: Uncertain significance for Hereditary cancer-predisposing syndrome. Last evaluated: 2025-10-22. Review status: criteria provided, single submitter. Criteria: Ambry Variant Classification Scheme 2023. Collection method: clinical testing. Allele origin: germline.
Comment: The p.P92S variant (also known as c.274C>T), located in coding exon 1 of the CDKN1B gene, results from a C to T substitution at nucleotide position 274. The proline at codon 92 is replaced by serine, an amino acid with similar properties. This amino acid position is well conserved in available vertebrate species. In addition, the in silico prediction for this alteration is inconclusive. Since supporting evidence is limited at this time, the clinical significance of this alteration remains unclear.

Baylor Genetics
Classification: Uncertain significance for Multiple endocrine neoplasia type 4. Last evaluated: 2023-05-12. Review status: criteria provided, single submitter. Criteria: ACMG Guidelines, 2015. Collection method: clinical testing. Allele origin: unknown.

GeneDx
Classification: Uncertain significance. Last evaluated: 2023-05-04. Review status: criteria provided, single submitter. Criteria: GeneDx Variant Classification Process June 2021. Collection method: clinical testing. Allele origin: germline. Affected: yes.
Comment: Not observed at significant frequency in large population cohorts (gnomAD); In silico analysis supports that this missense variant does not alter protein structure/function; Has not been previously published as pathogenic or benign to our knowledge; This variant is associated with the following publications: (PMID: 31854063)

Clinical Laboratory Sciences Program (CLSP), King Saud bin Abdulaziz University for Health Sciences (KSAU-HS)
Classification: Likely benign for Colorectal cancer. Last evaluated: 2023-01-01. Review status: criteria provided, single submitter. Criteria: ACMG Guidelines, 2015. Collection method: clinical testing. Allele origin: germline. Affected: yes.
Comment: BS2, BP1

Institute for Clinical Genetics, University Hospital TU Dresden, University Hospital TU Dresden
Classification: Uncertain significance. Last evaluated: 2021-11-03. Review status: criteria provided, single submitter. Criteria: ACMG Guidelines, 2015. Collection method: clinical testing. Allele origin: germline.

Biochemical Molecular Genetic Laboratory, King Abdulaziz Medical City
Classification: Uncertain significance for Multiple endocrine neoplasia type 4. Last evaluated: 2019-08-25. Review status: no assertion criteria provided. Collection method: clinical testing. Allele origin: germline. Affected: yes. Not counted in ClinVar's aggregate classification.